The following is an entry in ClinVar:

NM_024426.6(WT1):c.524G>A (p.Gly175Asp)

Genes: WT1 (WT1 transcription factor; minus strand), LOC107982234 (WT1/WT1-AS bi-directional promoter region; plus strand). Cytogenetic location: 11p13.
Variant type: single nucleotide variant.
Coding change: c.524G>A on transcript NM_024426.6 (MANE Select); coding-DNA position 524, G replaced by A.
Protein change: p.Gly175Asp; replaces glycine 175 with aspartic acid.
Molecular consequence: missense variant. On other transcripts: non-coding transcript variant (1).
Genome position (GRCh38, 1-based): chr11:32,434,837, C>T on the plus strand (G>A on the coding strand, the complement: WT1 is on the minus strand). VCF-style: chr11-32434837-C-T. GRCh37 (hg19) VCF-style: chr11-32456383-C-T.
Other names: c.524G>A, p.Gly175Asp (NM_000378.6, NM_024424.5); short protein forms G175D.
Identifiers: ClinVar variation 939598 (VCV000939598.10), dbSNP rs1853442286, ClinGen allele CA379964781.

ClinVar aggregate classification (germline): Uncertain significance (1 of 4 stars; one submission).

Conditions:
Drash syndrome (DDS). Also called: WILMS TUMOR AND PSEUDO- OR TRUE HERMAPHRODITISM; NEPHROPATHY, WILMS TUMOR, AND GENITAL ANOMALIES. Identifiers: Orphanet 220, MedGen C0950121, MONDO:0008682, OMIM 194080.
Frasier syndrome. Identifiers: Orphanet 347, MedGen C0950122, MeSH D052159, MONDO:0007635, OMIM 136680.
Wilms tumor 1 (WT1). Also called: Wilms tumor, somatic. Identifiers: Orphanet 654, MedGen CN033288, MONDO:0008679, OMIM 194070.
11p partial monosomy syndrome (WAGR). Also called: WAGR syndrome; CHROMOSOME 11p13 DELETION SYNDROME; WAGR Complex; WAGR Spectrum Disorder. Identifiers: Orphanet 893, MedGen C0206115, MONDO:0008681, OMIM 194072.

Submission:

Labcorp Genetics (formerly Invitae), Labcorp
Classification: Uncertain significance for Wilms tumor 1; Drash syndrome; 11p partial monosomy syndrome; Frasier syndrome. Last evaluated: 2023-08-02. Review status: criteria provided, single submitter. Criteria: Invitae Variant Classification Sherloc (09022015). Collection method: clinical testing. Allele origin: germline.
Comment: ClinVar contains an entry for this variant (Variation ID: 939598). An algorithm developed to predict the effect of missense changes on protein structure and function (PolyPhen-2) suggests that this variant is likely to be disruptive. In summary, the available evidence is currently insufficient to determine the role of this variant in disease. Therefore, it has been classified as a Variant of Uncertain Significance. This variant has not been reported in the literature in individuals affected with WT1-related conditions. This sequence change replaces glycine, which is neutral and non-polar, with aspartic acid, which is acidic and polar, at codon 170 of the WT1 protein (p.Gly170Asp). This variant is not present in population databases (gnomAD no frequency).